The following is an entry in ClinVar:

ClinVar aggregate classification (germline): Uncertain significance (1 of 4 stars; one submission).

gnomAD v4.1: 12 of 1,601,462 alleles (0.00075%); highest among the groups gnomAD compares: Non-Finnish European, 0.001%; no homozygotes.

Submission:

Mayo Clinic Laboratories, Mayo Clinic
Classification: Uncertain significance. Last evaluated: 2024-02-06. Review status: criteria provided, single submitter. Criteria: ACMG Guidelines, 2015. Collection method: clinical testing. Allele origin: germline. Observed: 1 variant allele.
Comment: BP4

NM_000878.5(IL2RB):c.704C>T (p.Ala235Val)

Gene: IL2RB (interleukin 2 receptor subunit beta; minus strand). Cytogenetic location: 22q12.3.
Variant type: single nucleotide variant.
Coding change: c.704C>T on transcript NM_000878.5 (MANE Select); coding-DNA position 704, C replaced by T.
Protein change: p.Ala235Val; replaces alanine 235 with valine.
Molecular consequence: missense variant.
Genome position (GRCh38, 1-based): chr22:37,135,442, G>A on the plus strand (C>T on the coding strand, the complement: IL2RB is on the minus strand). VCF-style: chr22-37135442-G-A. GRCh37 (hg19) VCF-style: chr22-37531482-G-A.
Other names: p.Ala235Val; c.704C>T, p.Ala235Val (NM_001346222.1, NM_001346223.2); short protein forms A235V.
Identifiers: ClinVar variation 3380719 (VCV003380719.1).
Genomic context (GRCh38, chr22:37,135,442, plus strand): 5'-AAAGCCCCGCTGAGGCCCACGAGGAGGTGGCCGAGCCACGGAATGGTGTCCTTCCCAAGG[G>A]CTGCCCAGGGGTGGGAGAAACAGCAAGGAGAGGGGTTAGAGAAGTGCCCTCACTCACCCT-3'
Protein context (NP_000869.1, residues 225-245): QPLAFRTKPA[Ala235Val]LGKDTIPWLG